The following is an entry in ClinVar:

NM_058216.3(RAD51C):c.145+117T>C

Genes: RAD51C (RAD51 paralog C; plus strand), LOC130061310 (ATAC-STARR-seq lymphoblastoid active region 12491; plus strand). Cytogenetic location: 17q22.
Variant type: single nucleotide variant.
Coding change: c.145+117T>C on transcript NM_058216.3 (MANE Select); 117 bases into the intron after coding-DNA position 145, T replaced by C.
Molecular consequence: intron variant.
Genome position (GRCh38, 1-based): chr17:58,692,905, T>C. VCF-style: chr17-58692905-T-C. GRCh37 (hg19) VCF-style: chr17-56770266-T-C.
Other names: c.145+117T>C (NM_002876.4).
Identifiers: ClinVar variation 4073510 (VCV004073510.1).

ClinVar aggregate classification (germline): Benign (1 of 4 stars; one submission).

Conditions:
Breast-ovarian cancer, familial, susceptibility to, 2 (BROVCA2). Also called: BRCA2 Hereditary Breast and Ovarian Cancer. Identifiers: Orphanet 145, MedGen C2675520, MONDO:0012933, OMIM 612555. Disease mechanism: loss of function.

gnomAD v4.1: 13,020 of 1,479,146 alleles (0.88%); highest among the groups gnomAD compares: Middle Eastern, 1.5%; 83 homozygotes.

Submission:

Dipartimento Di Medicina Di Precisione, Università Degli Studi Della Campania Luigi Vanvitelli
Classification: Benign for Breast-ovarian cancer, familial, susceptibility to, 2. Last evaluated: 2025-07-18. Review status: criteria provided, single submitter. Criteria: ACMG Guidelines, 2015. Collection method: clinical testing. Allele origin: germline. Affected: yes. Observed: 1 heterozygote.
Comment: The RAD51C c.145+117T>C variant is located deep within intron 1. In silico splicing predictions do not suggest significant alteration of canonical splice sites or creation of cryptic sites. No experimental evidence is available to suggest a functional impact. Based on current data, this variant is classified as likely benign.

Literature cited by the submitters: DOI 10.3390/ijms26135928.